The following is an entry in ClinVar:

NM_006531.5(IFT88):c.246A>C (p.Pro82=)

Gene: IFT88 (intraflagellar transport 88; plus strand). Cytogenetic location: 13q12.11.
Variant type: single nucleotide variant.
Coding change: c.246A>C on transcript NM_006531.5 (MANE Select); coding-DNA position 246, A replaced by C.
Protein change: p.Pro82=; no amino-acid change (proline 82 retained).
Molecular consequence: synonymous variant. On other transcripts: 5 prime UTR variant (1), non-coding transcript variant (5).
Genome position (GRCh38, 1-based): chr13:20,591,002, A>C. VCF-style: chr13-20591002-A-C. GRCh37 (hg19) VCF-style: chr13-21165141-A-C.
Other names: c.189A>C, p.Pro63= (NM_001318491.2, NM_001353573.2, NM_001353574.2 and 1 more transcripts); c.273A>C, p.Pro91= (NM_001318493.2, NM_001353565.2, NM_001353566.2 and 6 more transcripts); c.246A>C, p.Pro82= (NM_001353568.2, NM_001353571.2, NM_001353572.2 and 1 more transcripts); c.-318A>C (NM_001353579.2); c.273A>C (NM_175605.4).
Identifiers: ClinVar variation 1558945 (VCV001558945.17), dbSNP rs144166809, ClinGen allele CA6905003.

ClinVar aggregate classification (germline): Benign/Likely benign. Review status: criteria provided, multiple submitters, no conflicts (2 of 4 stars). 4 submissions from 4 submitters: Benign (1); Likely benign (3). Last evaluated 2026-01-29.

Conditions:
IFT88-related disorder. Also called: IFT88-related condition.

Allele frequency attached by ClinVar (database versions not stated): 1000 Genomes Project 30x 0.00031; 1000 Genomes Project 0.00040; ESP Exome Variant Server 0.00100; TOPMed 0.00111; ExAC 0.00146; gnomAD exomes 0.00157 and 0.00160; gnomAD 0.00182 and 0.00189.
gnomAD v4.1: 2,542 of 1,610,134 alleles (0.16%); highest among the groups gnomAD compares: Middle Eastern, 0.25%; 7 homozygotes.

Submissions (4):

PreventionGenetics, part of Exact Sciences
Classification: Likely benign for IFT88-related condition. Last evaluated: 2026-01-29. Review status: criteria provided, single submitter. Criteria: ACMG Guidelines, 2015. Collection method: clinical testing. Allele origin: germline.
Comment: This variant is classified as likely benign based on ACMG/AMP sequence variant interpretation guidelines (Richards et al. 2015 PMID: 25741868, with internal and published modifications).

Labcorp Genetics (formerly Invitae), Labcorp
Classification: Benign. Last evaluated: 2026-01-01. Review status: criteria provided, single submitter. Criteria: Invitae Variant Classification Sherloc (09022015). Collection method: clinical testing. Allele origin: germline.

CeGaT Center for Human Genetics Tuebingen
Classification: Likely benign. Last evaluated: 2025-09-01. Review status: criteria provided, single submitter. Criteria: CeGaT Center For Human Genetics Tuebingen Variant Classification Criteria Version 2. Collection method: clinical testing. Allele origin: germline. Affected: yes. Observed: 1 variant allele.
Comment: IFT88: BP4, BP7

Blueprint Genetics
Classification: Likely benign. Last evaluated: 2024-11-26. Review status: criteria provided, single submitter. Criteria: ACMG Guidelines, 2015. Collection method: clinical testing. Allele origin: germline.